The following is an entry in ClinVar:

ClinVar aggregate classification (germline): Uncertain significance (1 of 4 stars; one submission).

Submission:

CeGaT Center for Human Genetics Tuebingen
Classification: Uncertain significance. Last evaluated: 2025-09-01. Review status: criteria provided, single submitter. Criteria: CeGaT Center For Human Genetics Tuebingen Variant Classification Criteria Version 2. Collection method: clinical testing. Allele origin: germline. Affected: yes. Observed: 2 variant alleles.
Comment: KCNT2: PM2, PVS1:Moderate

NM_198503.5(KCNT2):c.1116_1121+1del

Gene: KCNT2 (potassium sodium-activated channel subfamily T member 2; minus strand). Cytogenetic location: 1q31.3.
Variant type: Deletion.
Coding change: c.1116_1121+1del on transcript NM_198503.5 (MANE Select); coding-DNA position 1116 through the canonical splice donor site of the intron after coding-DNA position 1121, 7 bases deleted (AGCAAAG; older notation c.1116_1121+1delAGCAAAG).
Molecular consequence: splice donor variant.
Genome position (GRCh38, 1-based): chr1:196,425,851-196,425,857, CTTTGCT deleted on the plus strand (AGCAAAG on the coding strand, the reverse complement: KCNT2 is on the minus strand); deleting any 7 consecutive bases within chr1:196,425,851-196,425,859 gives the same sequence; the c. name uses the placement nearest the transcript's 3' end. VCF-style (leftmost placement, unchanged base first): chr1-196425850-ACTTTGCT-A. GRCh37 (hg19) VCF-style: chr1-196394980-ACTTTGCT-A.
Other names: c.1116_1121+1del (NM_001287820.3, NM_001287819.3).
Identifiers: ClinVar variation 3389976 (VCV003389976.14).
Genomic context (GRCh38, chr1:196,425,850, plus strand): 5'-AAAGAGAAAATATTAAGTCACTCAAAACTGTAAGCTGCAAGATGAAAGGCAGGGATACCT[ACTTTGCT>A]CTCAATAGGTCTTGATCTTTAAGGGCTGAACCTTGAAGGTAGATAACTCGTTGGGACCAC-3'